The following is an entry in ClinVar:

ClinVar aggregate classification (germline): Likely benign. Review status: criteria provided, multiple submitters, no conflicts (2 of 4 stars). 3 submissions from 3 submitters: Likely benign (3). Last evaluated 2025-11-17.

Conditions:
Hereditary cancer-predisposing syndrome. Also called: Neoplastic Syndromes, Hereditary; Hereditary neoplastic syndrome; Tumor predisposition; Hereditary Cancer Syndrome. Identifiers: Orphanet 140162, MedGen C0027672, MeSH D009386, MONDO:0015356.
Ataxia-telangiectasia syndrome (AT). Also called: AT, COMPLEMENTATION GROUP C; ATAXIA-TELANGIECTASIA, COMPLEMENTATION GROUP A; ATAXIA-TELANGIECTASIA, FRESNO VARIANT; LOUIS-BAR SYNDROME; Ataxia-telangiectasia; Cerebello-oculocutaneous telangiectasia. Identifiers: Orphanet 100, MedGen C0004135, MONDO:0008840, OMIM 208900.

Submissions (3):

Labcorp Genetics (formerly Invitae), Labcorp
Classification: Likely benign for Ataxia-telangiectasia syndrome. Last evaluated: 2025-11-17. Review status: criteria provided, single submitter. Criteria: Invitae Variant Classification Sherloc (09022015). Collection method: clinical testing. Allele origin: germline.

Ambry Genetics
Classification: Likely benign for Hereditary cancer-predisposing syndrome. Last evaluated: 2025-05-20. Review status: criteria provided, single submitter. Criteria: Ambry Variant Classification Scheme 2023. Collection method: clinical testing. Allele origin: germline.

GeneDx
Classification: Likely benign. Last evaluated: 2016-11-07. Review status: criteria provided, single submitter. Criteria: GeneDx Variant Classification (06012015). Collection method: clinical testing. Allele origin: germline. Affected: yes.
Comment: This variant is considered likely benign or benign based on one or more of the following criteria: it is a conservative change, it occurs at a poorly conserved position in the protein, it is predicted to be benign by multiple in silico algorithms, and/or has population frequency not consistent with disease.

NM_000051.4(ATM):c.3771A>G (p.Pro1257=)

Gene: ATM (ATM serine/threonine kinase; plus strand). Cytogenetic location: 11q22.3.
Variant type: single nucleotide variant.
Coding change: c.3771A>G on transcript NM_000051.4 (MANE Select); coding-DNA position 3771, A replaced by G.
Protein change: p.Pro1257=; no amino-acid change (proline 1257 retained).
Molecular consequence: synonymous variant.
Genome position (GRCh38, 1-based): chr11:108,284,251, A>G. VCF-style: chr11-108284251-A-G. GRCh37 (hg19) VCF-style: chr11-108154978-A-G.
Other names: c.3771A>G, p.Pro1257= (NM_001351834.2).
Identifiers: ClinVar variation 390804 (VCV000390804.5), dbSNP rs1057523320, ClinGen allele CA16606176.